The following is an entry in ClinVar:

ClinVar aggregate classification (germline): Uncertain significance (1 of 4 stars; one submission).

Conditions:
CHARGE syndrome (CHARGE). Also called: Hittner Hirsch Kreh syndrome; CHARGE ASSOCIATION--COLOBOMA, HEART ANOMALY, CHOANAL ATRESIA, RETARDATION, GENITAL AND EAR ANOMALIES; Coloboma, heart anomaly, choanal atresia, retardation, genital and ear anomalies; CHARGE association; Hall-Hittner syndrome. Identifiers: Orphanet 138, MedGen C0265354, MONDO:0008965.

Submission:

Labcorp Genetics (formerly Invitae), Labcorp
Classification: Uncertain significance for CHARGE syndrome. Last evaluated: 2025-03-19. Review status: criteria provided, single submitter. Criteria: Invitae Variant Classification Sherloc (09022015). Collection method: clinical testing. Allele origin: germline.
Comment: This sequence change replaces lysine, which is basic and polar, with threonine, which is neutral and polar, at codon 702 of the CHD7 protein (p.Lys702Thr). This variant is not present in population databases (gnomAD no frequency). This variant has not been reported in the literature in individuals affected with CHD7-related conditions. Invitae Evidence Modeling of protein sequence and biophysical properties (such as structural, functional, and spatial information, amino acid conservation, physicochemical variation, residue mobility, and thermodynamic stability) has been performed for this missense variant. However, the output from this modeling did not meet the statistical confidence thresholds required to predict the impact of this variant on CHD7 protein function. In summary, the available evidence is currently insufficient to determine the role of this variant in disease. Therefore, it has been classified as a Variant of Uncertain Significance.

NM_017780.4(CHD7):c.2105A>C (p.Lys702Thr)

Gene: CHD7 (chromodomain helicase DNA binding protein 7; plus strand). Cytogenetic location: 8q12.2.
Variant type: single nucleotide variant.
Coding change: c.2105A>C on transcript NM_017780.4 (MANE Select); coding-DNA position 2105, A replaced by C.
Protein change: p.Lys702Thr; replaces lysine 702 with threonine.
Molecular consequence: missense variant. On other transcripts: intron variant (1).
Genome position (GRCh38, 1-based): chr8:60,794,994, A>C. VCF-style: chr8-60794994-A-C. GRCh37 (hg19) VCF-style: chr8-61707553-A-C.
Other names: c.1716+13944A>C (NM_001316690.1); short protein forms K702T.
Identifiers: ClinVar variation 4802750 (VCV004802750.1).